The following is an entry in ClinVar:

NM_014391.3(ANKRD1):c.839_841del (p.Ile280del)

Gene: ANKRD1 (ankyrin repeat domain 1; minus strand). Cytogenetic location: 10q23.31.
Variant type: Deletion.
Coding change: c.839_841del on transcript NM_014391.3 (MANE Select); coding-DNA positions 839 to 841, 3 bases deleted (TCA; older notation c.839_841delTCA).
Protein change: p.Ile280del; deletes isoleucine 280.
Molecular consequence: inframe deletion.
Genome position (GRCh38, 1-based): chr10:90,915,551-90,915,553, TGA deleted on the plus strand (TCA on the coding strand, the reverse complement: ANKRD1 is on the minus strand); deleting any 3 consecutive bases within chr10:90,915,551-90,915,555 gives the same sequence; the c. name uses the placement nearest the transcript's 3' end. VCF-style (leftmost placement, unchanged base first): chr10-90915550-TTGA-T. GRCh37 (hg19) VCF-style: chr10-92675307-TTGA-T.
Other names: short protein forms I280del.
Identifiers: ClinVar variation 3610533 (VCV003610533.2).
Genomic context (GRCh38, chr10:90,915,550, plus strand): 5'-GCTCCTGGAAATTGGAAAGCTTGCAAGCGGTGTTTCTTGTTTCCAGTACTTACACAGTTC[TTGA>T]TGTTGAGATCCGCGCCATACATAATCAGGAGTCGGATCATCTTATAGCGGTTCAGTCTCA-3'

ClinVar aggregate classification (germline): Uncertain significance (1 of 4 stars; one submission).

Conditions:
ANKRD1-related dilated cardiomyopathy. Identifiers: MedGen CN119551.

Submission:

Labcorp Genetics (formerly Invitae), Labcorp
Classification: Uncertain significance for ANKRD1-related dilated cardiomyopathy. Last evaluated: 2024-09-02. Review status: criteria provided, single submitter. Criteria: Invitae Variant Classification Sherloc (09022015). Collection method: clinical testing. Allele origin: germline.
Comment: This variant, c.839_841del, results in the deletion of 1 amino acid(s) of the ANKRD1 protein (p.Ile280del), but otherwise preserves the integrity of the reading frame. This variant is not present in population databases (gnomAD no frequency). This variant has not been reported in the literature in individuals affected with ANKRD1-related conditions. Experimental studies and prediction algorithms are not available or were not evaluated, and the functional significance of this variant is currently unknown. In summary, the available evidence is currently insufficient to determine the role of this variant in disease. Therefore, it has been classified as a Variant of Uncertain Significance.